The following is an entry in ClinVar:

NM_032638.5(GATA2):c.223G>T (p.Ala75Ser)

Gene: GATA2 (GATA binding protein 2; minus strand). Cytogenetic location: 3q21.3.
Variant type: single nucleotide variant.
Coding change: c.223G>T on transcript NM_032638.5 (MANE Select); coding-DNA position 223, G replaced by T.
Protein change: p.Ala75Ser; replaces alanine 75 with serine.
Molecular consequence: missense variant.
Genome position (GRCh38, 1-based): chr3:128,486,809, C>A on the plus strand (G>T on the coding strand, the complement: GATA2 is on the minus strand). VCF-style: chr3-128486809-C-A. GRCh37 (hg19) VCF-style: chr3-128205652-C-A.
Other names: c.223G>T, p.Ala75Ser (NM_001145661.2, NM_001145662.1); short protein forms A75S.
Identifiers: ClinVar variation 1497178 (VCV001497178.6), dbSNP rs1179893883, ClinGen allele CA354408185.

ClinVar aggregate classification (germline): Uncertain significance (1 of 4 stars; one submission).

Conditions:
Deafness-lymphedema-leukemia syndrome. Also called: Lymphedema, primary, with myelodysplasia; Emberger syndrome. Identifiers: Orphanet 3226, MedGen C3279664, MONDO:0013540, OMIM 614038.
Monocytopenia with susceptibility to infections. Also called: MONOCYTOPENIA AND MYCOBACTERIAL INFECTION SYNDROME; MONOCYTOPENIA WITH SUSCEPTIBILITY TO MYCOBACTERIAL, FUNGAL, AND PAPILLOMAVIRUS INFECTIONS AND MYELODYSPLASIA; COMBINED IMMUNODEFICIENCY WITH SUSCEPTIBILITY TO MYCOBACTERIAL, VIRAL, AND FUNGAL INFECTIONS; Dendritic cell, monocyte, B lymphocyte, and natural killer lymphocyte deficiency; IMMUNODEFICIENCY 21; GATA2 DEFICIENCY. Identifiers: Orphanet 228423, MedGen C3280030, MONDO:0013607, OMIM 614172.

Submission:

Labcorp Genetics (formerly Invitae), Labcorp
Classification: Uncertain significance for Monocytopenia with susceptibility to infections; Deafness-lymphedema-leukemia syndrome. Last evaluated: 2021-10-15. Review status: criteria provided, single submitter. Criteria: Invitae Variant Classification Sherloc (09022015). Collection method: clinical testing. Allele origin: germline.
Comment: This sequence change replaces alanine with serine at codon 75 of the GATA2 protein (p.Ala75Ser). The alanine residue is moderately conserved and there is a moderate physicochemical difference between alanine and serine. This variant is not present in population databases (ExAC no frequency). This variant has not been reported in the literature in individuals affected with GATA2-related conditions. Advanced modeling of protein sequence and biophysical properties (such as structural, functional, and spatial information, amino acid conservation, physicochemical variation, residue mobility, and thermodynamic stability) performed at Invitae indicates that this missense variant is not expected to disrupt GATA2 protein function. In summary, the available evidence is currently insufficient to determine the role of this variant in disease. Therefore, it has been classified as a Variant of Uncertain Significance.